The following is an entry in ClinVar:

ClinVar aggregate classification (germline): Uncertain significance (1 of 4 stars; one submission).

Submission:

GeneDx
Classification: Uncertain significance. Last evaluated: 2022-12-05. Review status: criteria provided, single submitter. Criteria: GeneDx Variant Classification Process June 2021. Collection method: clinical testing. Allele origin: germline. Affected: yes.
Comment: Not observed at significant frequency in large population cohorts (gnomAD); In silico analysis supports that this missense variant has a deleterious effect on protein structure/function; Has not been previously published as pathogenic or benign to our knowledge; This variant is associated with the following publications: (PMID: 12070251)

NM_004380.3(CREBBP):c.4590G>T (p.Arg1530Ser)

Gene: CREBBP (CREB binding protein; minus strand). Cytogenetic location: 16p13.3.
Variant type: single nucleotide variant.
Coding change: c.4590G>T on transcript NM_004380.3 (MANE Select); coding-DNA position 4590, G replaced by T.
Protein change: p.Arg1530Ser; replaces arginine 1530 with serine.
Molecular consequence: missense variant.
Genome position (GRCh38, 1-based): chr16:3,736,174, C>A on the plus strand (G>T on the coding strand, the complement: CREBBP is on the minus strand). VCF-style: chr16-3736174-C-A. GRCh37 (hg19) VCF-style: chr16-3786175-C-A.
Other names: c.4476G>T, p.Arg1492Ser (NM_001079846.1); short protein forms R1492S, R1530S.
Identifiers: ClinVar variation 2504368 (VCV002504368.1), dbSNP rs765050154, ClinGen allele CA394562870.